The following is an entry in ClinVar:

NM_001042492.3(NF1):c.7219G>C (p.Ala2407Pro)

Gene: NF1 (neurofibromin 1; plus strand). Cytogenetic location: 17q11.2.
Variant type: single nucleotide variant.
Coding change: c.7219G>C on transcript NM_001042492.3 (MANE Select); coding-DNA position 7219, G replaced by C.
Protein change: p.Ala2407Pro; replaces alanine 2407 with proline.
Molecular consequence: missense variant.
Genome position (GRCh38, 1-based): chr17:31,349,149, G>C. VCF-style: chr17-31349149-G-C. GRCh37 (hg19) VCF-style: chr17-29676167-G-C.
Other names: c.7156G>C, p.Ala2386Pro (NM_000267.4); short protein forms A2386P, A2407P.
Identifiers: ClinVar variation 1481383 (VCV001481383.8), dbSNP rs2151572572, ClinGen allele CA399016710.

ClinVar aggregate classification (germline): Uncertain significance (1 of 4 stars; one submission).

Conditions:
Neurofibromatosis, type 1 (NF1). Also called: Neurofibromatosis, type I; VON RECKLINGHAUSEN DISEASE; NEUROFIBROMATOSIS, TYPE I, SOMATIC; Peripheral type neurofibromatosis. Identifiers: Orphanet 636, MedGen C0027831, MONDO:0018975, OMIM 162200. Disease mechanism: loss of function.

Submission:

Labcorp Genetics (formerly Invitae), Labcorp
Classification: Uncertain significance for Neurofibromatosis, type 1. Last evaluated: 2021-05-20. Review status: criteria provided, single submitter. Criteria: Invitae Variant Classification Sherloc (09022015). Collection method: clinical testing. Allele origin: germline.
Comment: This variant has not been reported in the literature in individuals with NF1-related conditions. Advanced modeling of protein sequence and biophysical properties (such as structural, functional, and spatial information, amino acid conservation, physicochemical variation, residue mobility, and thermodynamic stability) performed at Invitae indicates that this missense variant is expected to disrupt NF1 protein function. In summary, the available evidence is currently insufficient to determine the role of this variant in disease. Therefore, it has been classified as a Variant of Uncertain Significance. This variant is not present in population databases (ExAC no frequency). This sequence change replaces alanine with proline at codon 2386 of the NF1 protein (p.Ala2386Pro). The alanine residue is moderately conserved and there is a small physicochemical difference between alanine and proline.